The following is an entry in ClinVar:

ClinVar aggregate classification (germline): Pathogenic (0 of 4 stars; one submission).

Conditions:
Amelogenesis imperfecta, type 1J (AI1J). Also called: Amelogenesis imperfecta, type IJ. Identifiers: MedGen C4310630, MONDO:0015008, OMIM 617297.

Allele frequency attached by ClinVar (database versions not stated): TOPMed 0.00002; gnomAD 0.00003; 1000 Genomes Project 30x 0.00016; 1000 Genomes Project 0.00020.

Submission:

Leeds Amelogenesis Imperfecta Research Group, University of Leeds
Classification: Pathogenic for Amelogenesis imperfecta, type 1J. Last evaluated: 2016-10-28. Review status: no assertion criteria provided. Collection method: research. Allele origin: germline. Inheritance: Autosomal recessive inheritance. Affected: yes and no. Observed: 2 variant alleles, 1 heterozygote, 1 homozygote.
Comment: The variant was identified in ExAC in 9 out of 89042 alleles (always in a heterozygous state) and has been assigned rs546603773 with 0.02% MAF in dbSNP146. The variant is predicted to be damaging by multiple pathogenicity prediciton softwares including Polyphen-2, SIFT, CADD. The residue predicted to be affected is conserved in paralogues and mammalian orthologues in all species analysed, except for horse in which the region surrounding the residue is not present. The residue is in the extracellular domain (residues 29-390) of ACPT. The substitution of threonine at residue 143 for methionine (NP_149059.1) will alter the residue from a small polar to a larger nonpolar one (BLOSUM62 score -1).

Literature cited by the submitters: PubMed 28513613.

NM_033068.3(ACP4):c.428C>T (p.Thr143Met)

Gene: ACP4 (acid phosphatase 4; plus strand). Cytogenetic location: 19q13.33.
Variant type: single nucleotide variant.
Coding change: c.428C>T on transcript NM_033068.3 (MANE Select); coding-DNA position 428, C replaced by T.
Protein change: p.Thr143Met; replaces threonine 143 with methionine.
Molecular consequence: missense variant.
Genome position (GRCh38, 1-based): chr19:50,791,780, C>T. VCF-style: chr19-50791780-C-T. GRCh37 (hg19) VCF-style: chr19-51295037-C-T.
Other names: short protein forms T143M.
Identifiers: ClinVar variation 375700 (VCV000375700.3), dbSNP rs546603773, ClinGen allele CA9602958.